The following is an entry in ClinVar:

NM_001164508.2(NEB):c.2603T>C (p.Leu868Pro)

Gene: NEB (nebulin; minus strand). Cytogenetic location: 2q23.3.
Variant type: single nucleotide variant.
Coding change: c.2603T>C on transcript NM_001164508.2 (MANE Select); coding-DNA position 2603, T replaced by C.
Protein change: p.Leu868Pro; replaces leucine 868 with proline.
Molecular consequence: missense variant.
Genome position (GRCh38, 1-based): chr2:151,687,453, A>G on the plus strand (T>C on the coding strand, the complement: NEB is on the minus strand). VCF-style: chr2-151687453-A-G. GRCh37 (hg19) VCF-style: chr2-152543967-A-G.
Other names: c.2603T>C, p.Leu868Pro (NM_001164507.2, NM_001271208.2, NM_004543.5); short protein forms L868P.
Identifiers: ClinVar variation 465592 (VCV000465592.45), dbSNP rs143123053, ClinGen allele CA1911178.

ClinVar aggregate classification (germline): Benign/Likely benign. Review status: criteria provided, multiple submitters, no conflicts (2 of 4 stars). 6 submissions from 6 submitters: Benign (2); Likely benign (3). 1 of the submissions does not count toward it. Last evaluated 2026-01-28.

Conditions:
Nemaline myopathy 2 (NEM2). Also called: Nemaline myopathy 2, autosomal recessive. Identifiers: MedGen C1850569, MONDO:0009725, OMIM 256030.
Arthrogryposis multiplex congenita 6. Identifiers: MedGen C5543431, MONDO:0030281, OMIM 619334.

Allele frequency attached by ClinVar (database versions not stated): ESP Exome Variant Server 0.00049; gnomAD exomes 0.00118 and 0.00156; 1000 Genomes Project 30x 0.00125; ExAC 0.00149; 1000 Genomes Project 0.00160; TOPMed 0.00063; gnomAD 0.00083 and 0.00104.
gnomAD v4.1: 1,873 of 1,614,038 alleles (0.12%); highest among the groups gnomAD compares: East Asian, 2.1%; 18 homozygotes.

Submissions (6):

Labcorp Genetics (formerly Invitae), Labcorp
Classification: Benign for Nemaline myopathy 2. Last evaluated: 2026-01-28. Review status: criteria provided, single submitter. Criteria: Invitae Variant Classification Sherloc (09022015). Collection method: clinical testing. Allele origin: germline.

CeGaT Center for Human Genetics Tuebingen
Classification: Likely benign. Last evaluated: 2024-06-01. Review status: criteria provided, single submitter. Criteria: CeGaT Center For Human Genetics Tuebingen Variant Classification Criteria Version 2. Collection method: clinical testing. Allele origin: germline. Affected: yes. Observed: 2 variant alleles.
Comment: NEB: BS2

Department of Pathology and Laboratory Medicine, Sinai Health System
Classification: Likely benign for Nemaline myopathy 2; Arthrogryposis multiplex congenita 6. Last evaluated: 2022-06-28. Review status: criteria provided, single submitter. Criteria: ACMG Guidelines, 2015. Collection method: research. Allele origin: germline.

GeneDx
Classification: Likely benign. Last evaluated: 2021-01-25. Review status: criteria provided, single submitter. Criteria: GeneDx Variant Classification Process June 2021. Collection method: clinical testing. Allele origin: germline. Affected: yes.
Comment: This variant is associated with the following publications: (PMID: 25296583, 25589043)

Illumina Laboratory Services, Illumina
Classification: Benign for Nemaline myopathy 2. Last evaluated: 2017-05-03. Review status: criteria provided, single submitter. Criteria: ICSL Variant Classification Criteria 13 December 2019. Collection method: clinical testing. Allele origin: germline.
Comment: This variant was observed as part of a predisposition screen in an ostensibly healthy population. A literature search was performed for the gene, cDNA change, and amino acid change (where applicable). Publications were found based on this search. The evidence from the literature, in combination with allele frequency data from public databases where available, was sufficient to rule this variant out of causing disease. Therefore, this variant is classified as benign.

Natera, Inc.
Classification: Likely benign for Nemaline myopathy type 2. Last evaluated: 2020-01-07. Review status: no assertion criteria provided. Collection method: clinical testing. Allele origin: germline. Not counted in ClinVar's aggregate classification.

Literature cited by the submitters: PubMed 25589043 (cited by Illumina Laboratory Services, Illumina); PubMed 25296583 (cited by Illumina Laboratory Services, Illumina).